The following is an entry in ClinVar:

NM_005343.4(HRAS):c.262A>G (p.Lys88Glu)

Genes: HRAS (HRas proto-oncogene, GTPase; minus strand), LRRC56 (leucine rich repeat containing 56; plus strand). Cytogenetic location: 11p15.5.
Variant type: single nucleotide variant.
Coding change: c.262A>G on transcript NM_005343.4 (MANE Select); coding-DNA position 262, A replaced by G.
Protein change: p.Lys88Glu; replaces lysine 88 with glutamic acid.
Molecular consequence: missense variant. On other transcripts: 5 prime UTR variant (1).
Genome position (GRCh38, 1-based): chr11:533,794, T>C on the plus strand (A>G on the coding strand, the complement: HRAS is on the minus strand). VCF-style: chr11-533794-T-C. GRCh37 (hg19) VCF-style: chr11-533794-T-C.
Other names: c.262A>G, p.Lys88Glu (NM_001130442.3, NM_176795.5); c.-58A>G (NM_001318054.2); short protein forms K88E.
Identifiers: ClinVar variation 2015677 (VCV002015677.4), dbSNP rs2539796781, ClinGen allele CA378924414.

ClinVar aggregate classification (germline): Uncertain significance (1 of 4 stars; one submission).

Conditions:
Costello syndrome (CSTLO). Also called: HRAS-Related Costello Syndrome; FACIOCUTANEOSKELETAL SYNDROME; FCS SYNDROME. Identifiers: Orphanet 3071, MedGen C0587248, MONDO:0009026, OMIM 218040.

Allele frequency attached by ClinVar (database versions not stated): gnomAD exomes below 0.00001.
gnomAD v4.1: 1 of 1,613,378 alleles (0.000062%); highest among the groups gnomAD compares: Non-Finnish European, 0.000085%; no homozygotes.

Submission:

Labcorp Genetics (formerly Invitae), Labcorp
Classification: Uncertain significance for Costello syndrome. Last evaluated: 2025-07-31. Review status: criteria provided, single submitter. Criteria: Invitae Variant Classification Sherloc (09022015). Collection method: clinical testing. Allele origin: germline.
Comment: This sequence change replaces lysine, which is basic and polar, with glutamic acid, which is acidic and polar, at codon 88 of the HRAS protein (p.Lys88Glu). This variant is not present in population databases (gnomAD no frequency). This variant has not been reported in the literature in individuals affected with HRAS-related conditions. ClinVar contains an entry for this variant (Variation ID: 2015677). Invitae Evidence Modeling of protein sequence and biophysical properties (such as structural, functional, and spatial information, amino acid conservation, physicochemical variation, residue mobility, and thermodynamic stability) indicates that this missense variant is not expected to disrupt HRAS protein function with a negative predictive value of 80%. In summary, the available evidence is currently insufficient to determine the role of this variant in disease. Therefore, it has been classified as a Variant of Uncertain Significance.